The following is an entry in ClinVar:

NM_033380.3(COL4A5):c.2848G>C (p.Gly950Arg)

Gene: COL4A5 (collagen type IV alpha 5 chain; plus strand). Cytogenetic location: Xq22.3.
Variant type: single nucleotide variant.
Coding change: c.2848G>C on transcript NM_033380.3 (MANE Select); coding-DNA position 2848, G replaced by C.
Protein change: p.Gly950Arg; replaces glycine 950 with arginine.
Molecular consequence: missense variant.
Genome position (GRCh38, 1-based): chrX:108,622,756, G>C. VCF-style: chrX-108622756-G-C. GRCh37 (hg19) VCF-style: chrX-107865986-G-C.
Other names: c.2848G>C, p.Gly950Arg (NM_000495.5); short protein forms G950R.
Identifiers: ClinVar variation 3251895 (VCV003251895.2), dbSNP rs2524408108.

ClinVar aggregate classification (germline): Likely pathogenic. Review status: criteria provided, multiple submitters, no conflicts (2 of 4 stars). 2 submissions from 2 submitters: Likely pathogenic (2). Last evaluated 2024-04-19.

Conditions:
X-linked Alport syndrome (ATS1). Also called: NEPHROPATHY AND DEAFNESS, X-LINKED; COL4A5-Related Nephropathy. Identifiers: Orphanet 63, Orphanet 88917, MedGen C4746986, MONDO:0010520, OMIM 301050.

Submissions (2):

Fulgent Genetics
Classification: Likely pathogenic for X-linked Alport syndrome. Last evaluated: 2024-04-19. Review status: criteria provided, single submitter. Criteria: ACMG Guidelines, 2015. Collection method: clinical testing. Allele origin: germline.

Women's Health and Genetics/Laboratory Corporation of America, LabCorp
Classification: Likely pathogenic for X-linked Alport syndrome. Last evaluated: 2024-04-17. Review status: criteria provided, single submitter. Criteria: LabCorp Variant Classification Summary - May 2015. Collection method: clinical testing. Allele origin: germline.
Comment: Variant summary: COL4A5 c.2848G>C (p.Gly950Arg) results in a non-conservative amino acid change located within the triple-helical region (UniProt) of the encoded protein sequence. This missense variant disrupts a critical glycine residue at position 1 of a Gly-X-Y repeat in the collagenous domain of the collagen IV alpha 5 chain, and variants affecting these glycine residues are significantly enriched in individuals with Alport syndrome (PMID: 33854215). Five of five in-silico tools predict a damaging effect of the variant on protein function. The variant was absent in 182930 control chromosomes. To our knowledge, no occurrence of c.2848G>C in individuals affected with Alport Syndrome 1, X-Linked Recessive and no experimental evidence demonstrating its impact on protein function have been reported. No submitters have cited clinical-significance assessments for this variant to ClinVar. Based on the evidence outlined above, the variant was classified as likely pathogenic.